The following is an entry in ClinVar:

NM_001040142.2(SCN2A):c.477-13T>C

Gene: SCN2A (sodium voltage-gated channel alpha subunit 2; plus strand). Cytogenetic location: 2q24.3.
Variant type: single nucleotide variant.
Coding change: c.477-13T>C on transcript NM_001040142.2 (MANE Select); 13 bases into the intron before coding-DNA position 477, T replaced by C.
Molecular consequence: intron variant.
Genome position (GRCh38, 1-based): chr2:165,308,653, T>C. VCF-style: chr2-165308653-T-C. GRCh37 (hg19) VCF-style: chr2-166165163-T-C.
Other names: c.477-13T>C (NM_021007.2, NM_001040143.2, NM_001371246.1 and 2 more transcripts).
Identifiers: ClinVar variation 1581362 (VCV001581362.9), dbSNP rs973711914, ClinGen allele CA59727804.

ClinVar aggregate classification (germline): Likely benign. Review status: criteria provided, multiple submitters, no conflicts (2 of 4 stars). 2 submissions from 2 submitters: Likely benign (2). Last evaluated 2025-04-09.

Conditions:
Seizures, benign familial infantile, 3 (BFIS3). Also called: Familial neonatal seizures; CONVULSIONS, BENIGN FAMILIAL INFANTILE, 3. Identifiers: Orphanet 140927, Orphanet 306, MedGen C1843140, MONDO:0011904, OMIM 607745.
Developmental and epileptic encephalopathy, 11 (DEE11). Also called: Early infantile epileptic encephalopathy 11. Identifiers: Orphanet 1934, MedGen C3150987, MONDO:0013388, OMIM 613721.

Allele frequency attached by ClinVar (database versions not stated): gnomAD exomes below 0.00001; gnomAD 0.00001; TOPMed 0.00002.
gnomAD v4.1: 2 of 1,610,168 alleles (0.00012%); highest among the groups gnomAD compares: African/African-American, 0.0013%; no homozygotes.

Submissions (2):

Labcorp Genetics (formerly Invitae), Labcorp
Classification: Likely benign for Seizures, benign familial infantile, 3; Developmental and epileptic encephalopathy, 11. Last evaluated: 2025-04-09. Review status: criteria provided, single submitter. Criteria: Invitae Variant Classification Sherloc (09022015). Collection method: clinical testing. Allele origin: germline.

Women's Health and Genetics/Laboratory Corporation of America, LabCorp
Classification: Likely benign. Last evaluated: 2023-09-20. Review status: criteria provided, single submitter. Criteria: LabCorp Variant Classification Summary - May 2015. Collection method: clinical testing. Allele origin: germline.
Comment: Variant summary: SCN2A c.477-13T>C alters a conserved nucleotide located at a position not widely known to affect splicing. Consensus agreement among computation tools predict no significant impact on normal splicing. However, these predictions have yet to be confirmed by functional studies. The variant was absent in 250316 control chromosomes. The available data on variant occurrences in the general population are insufficient to allow any conclusion about variant significance. To our knowledge, no occurrence of c.477-13T>C in individuals affected with Early Infantile Epileptic Encephalopathy 11 and no experimental evidence demonstrating its impact on protein function have been reported. One submitter has cited clinical-significance assessments for this variant to ClinVar after 2014 and has classified the variant as likely benign. Based on the evidence outlined above, the variant was classified as likely benign.